The following is an entry in ClinVar:

ClinVar aggregate classification (germline): Benign/Likely benign. Review status: criteria provided, multiple submitters, no conflicts (2 of 4 stars). 3 submissions from 3 submitters: Benign (2); Likely benign (1). Last evaluated 2026-01-07.

Allele frequency attached by ClinVar (database versions not stated): gnomAD exomes 0.00071 and 0.00195; ExAC 0.00225; 1000 Genomes Project 0.00579; 1000 Genomes Project 30x 0.00640; gnomAD 0.00731 and 0.00793; ESP Exome Variant Server 0.00761; TOPMed 0.00868.
gnomAD v4.1: 2,190 of 1,614,190 alleles (0.14%); highest among the groups gnomAD compares: African/African-American, 2.6%; 28 homozygotes.

Submissions (3):

Labcorp Genetics (formerly Invitae), Labcorp
Classification: Benign. Last evaluated: 2026-01-07. Review status: criteria provided, single submitter. Criteria: Invitae Variant Classification Sherloc (09022015). Collection method: clinical testing. Allele origin: germline.

Mayo Clinic Laboratories, Mayo Clinic
Classification: Likely benign. Last evaluated: 2025-03-27. Review status: criteria provided, single submitter. Criteria: ACMG Guidelines, 2015. Collection method: clinical testing. Allele origin: germline. Observed: 2 variant alleles.
Comment: BS1, BP4, BP7

Breakthrough Genomics
Classification: Benign. Review status: criteria provided, single submitter. Criteria: ACMG Guidelines, 2015. Collection method: not provided. Allele origin: germline. Inheritance: Autosomal dominant inheritance. Affected: yes.

NM_018417.6(ADCY10):c.4389A>T (p.Ile1463=)

Gene: ADCY10 (adenylate cyclase 10; minus strand). Cytogenetic location: 1q24.2.
Variant type: single nucleotide variant.
Coding change: c.4389A>T on transcript NM_018417.6 (MANE Select); coding-DNA position 4389, A replaced by T.
Protein change: p.Ile1463=; no amino-acid change (isoleucine 1463 retained).
Molecular consequence: synonymous variant.
Genome position (GRCh38, 1-based): chr1:167,818,165, T>A on the plus strand (A>T on the coding strand, the complement: ADCY10 is on the minus strand). VCF-style: chr1-167818165-T-A. GRCh37 (hg19) VCF-style: chr1-167787403-T-A.
Other names: p.Ile1463=; c.3930A>T, p.Ile1310= (NM_001167749.3); c.4113A>T, p.Ile1371= (NM_001297772.2).
Identifiers: ClinVar variation 789947 (VCV000789947.12), dbSNP rs61745242, ClinGen allele CA1227038.